The following is an entry in ClinVar:

NM_145200.5(CABP4):c.718G>A (p.Gly240Arg)

Gene: CABP4 (calcium binding protein 4; plus strand). Cytogenetic location: 11q13.2.
Variant type: single nucleotide variant.
Coding change: c.718G>A on transcript NM_145200.5 (MANE Select); coding-DNA position 718, G replaced by A.
Protein change: p.Gly240Arg; replaces glycine 240 with arginine.
Molecular consequence: missense variant. On other transcripts: non-coding transcript variant (1).
Genome position (GRCh38, 1-based): chr11:67,458,437, G>A. VCF-style: chr11-67458437-G-A. GRCh37 (hg19) VCF-style: chr11-67225908-G-A.
Other names: c.403G>A, p.Gly135Arg (NM_001300895.3, NM_001300896.3, NM_001379183.1); c.718G>A (NM_145200.3); short protein forms G135R, G240R.
Identifiers: ClinVar variation 1089108 (VCV001089108.11), dbSNP rs200006745, ClinGen allele CA6140330.

ClinVar aggregate classification (germline): Likely benign. Review status: criteria provided, multiple submitters, no conflicts (2 of 4 stars). 3 submissions from 3 submitters: Likely benign (3). Last evaluated 2025-07-28.

Conditions:
CABP4-related disorder. Also called: CABP4-related condition.

Allele frequency attached by ClinVar (database versions not stated): TOPMed 0.00004; gnomAD 0.00021 and 0.00022; ExAC 0.00023; gnomAD exomes 0.00030.
gnomAD v4.1: 187 of 1,613,800 alleles (0.012%); highest among the groups gnomAD compares: Non-Finnish European, 0.0029%; no homozygotes.

Submissions (3):

PreventionGenetics, part of Exact Sciences
Classification: Likely benign for CABP4-related condition. Last evaluated: 2025-07-28. Review status: criteria provided, single submitter. Criteria: ACMG Guidelines, 2015. Collection method: clinical testing. Allele origin: germline.
Comment: This variant is classified as likely benign based on ACMG/AMP sequence variant interpretation guidelines (Richards et al. 2015 PMID: 25741868, with internal and published modifications).

Blueprint Genetics
Classification: Likely benign. Last evaluated: 2024-09-30. Review status: criteria provided, single submitter. Criteria: ACMG Guidelines, 2015. Collection method: clinical testing. Allele origin: germline.

Labcorp Genetics (formerly Invitae), Labcorp
Classification: Likely benign. Last evaluated: 2023-11-27. Review status: criteria provided, single submitter. Criteria: Invitae Variant Classification Sherloc (09022015). Collection method: clinical testing. Allele origin: germline.